The following is an entry in ClinVar:

ClinVar aggregate classification (germline): Uncertain significance (1 of 4 stars; one submission).

Conditions:
Dilated cardiomyopathy 1G (CMD1G). Identifiers: Orphanet 154, MedGen C1858763, MONDO:0011400, OMIM 604145.
Autosomal recessive limb-girdle muscular dystrophy type 2J (LGMDR10). Also called: Limb-girdle muscular dystrophy, type 2J; MUSCULAR DYSTROPHY, LIMB-GIRDLE, AUTOSOMAL RECESSIVE 10. Identifiers: Orphanet 140922, MedGen C1837342, MONDO:0012127, OMIM 608807.

Allele frequency attached by ClinVar (database versions not stated): gnomAD exomes below 0.00001; gnomAD 0.00001; TOPMed 0.00001.
gnomAD v4.1: 4 of 1,613,754 alleles (0.00025%); highest among the groups gnomAD compares: Admixed American, 0.0017%; no homozygotes.

Submission:

Labcorp Genetics (formerly Invitae), Labcorp
Classification: Uncertain significance for Dilated cardiomyopathy 1G; Autosomal recessive limb-girdle muscular dystrophy type 2J. Last evaluated: 2025-04-10. Review status: criteria provided, single submitter. Criteria: Invitae Variant Classification Sherloc (09022015). Collection method: clinical testing. Allele origin: germline.
Comment: This sequence change replaces serine, which is neutral and polar, with leucine, which is neutral and non-polar, at codon 33777 of the TTN protein (p.Ser33777Leu). This variant is not present in population databases (gnomAD no frequency). This variant has not been reported in the literature in individuals affected with TTN-related conditions. ClinVar contains an entry for this variant (Variation ID: 2950939). Experimental studies and prediction algorithms are not available or were not evaluated, and the functional significance of this variant is currently unknown. This variant is located in the M band of TTN (PMID: 25589632). Non-truncating variants in this region may be relevant for neuromuscular disorders, but have not been definitively shown to cause cardiomyopathy (PMID: 23975875). In summary, the available evidence is currently insufficient to determine the role of this variant in disease. Therefore, it has been classified as a Variant of Uncertain Significance.

Literature cited by the submitters: PubMed 25589632; PubMed 23975875.

NM_001267550.2(TTN):c.101330C>T (p.Ser33777Leu)

Genes: TTN (titin; minus strand), TTN-AS1 (TTN antisense RNA 1; plus strand). Cytogenetic location: 2q31.2.
Variant type: single nucleotide variant.
Coding change: c.101330C>T on transcript NM_001267550.2 (MANE Select); coding-DNA position 101330, C replaced by T.
Protein change: p.Ser33777Leu; replaces serine 33777 with leucine.
Molecular consequence: missense variant.
Genome position (GRCh38, 1-based): chr2:178,535,285, G>A on the plus strand (C>T on the coding strand, the complement: TTN is on the minus strand). VCF-style: chr2-178535285-G-A. GRCh37 (hg19) VCF-style: chr2-179400012-G-A.
Other names: c.96407C>T, p.Ser32136Leu (NM_001256850.1); c.74135C>T, p.Ser24712Leu (NM_003319.4); c.93626C>T, p.Ser31209Leu (NM_133378.4); c.74510C>T, p.Ser24837Leu (NM_133432.3); c.74711C>T, p.Ser24904Leu (NM_133437.4); short protein forms S32136L, S24904L, S31209L, S33777L, S24712L, S24837L.
Identifiers: ClinVar variation 2950939 (VCV002950939.2), dbSNP rs983842520, ClinGen allele CA60959988.